The following is an entry in ClinVar:

ClinVar aggregate classification (germline): Benign/Likely benign. Review status: criteria provided, multiple submitters, no conflicts (2 of 4 stars). 3 submissions from 3 submitters: Benign (1); Likely benign (2). Last evaluated 2026-06-03.

Conditions:
Gastrointestinal stromal tumor. Also called: Gastrointestinal stroma tumor; Gastrointestinal stromal tumor, somatic. Identifiers: Orphanet 44890, MedGen C0238198, MeSH D046152, MONDO:0011719, OMIM 606764, HP:0100723.
Hereditary cancer-predisposing syndrome. Also called: Neoplastic Syndromes, Hereditary; Hereditary Cancer Syndrome; Hereditary neoplastic syndrome; Tumor predisposition. Identifiers: Orphanet 140162, MedGen C0027672, MeSH D009386, MONDO:0015356.

Allele frequency attached by ClinVar (database versions not stated): gnomAD exomes below 0.00001.
gnomAD v4.1: 3 of 1,610,882 alleles (0.00019%); highest among the groups gnomAD compares: Non-Finnish European, 0.00025%; no homozygotes.

Submissions (3):

Myriad Genetics, Inc.
Classification: Benign for Gastrointestinal stromal tumor. Last evaluated: 2026-06-03. Review status: criteria provided, single submitter. Criteria: Myriad Autosomal Dominant, Autosomal Recessive and X-Linked Classification Criteria (2023). Collection method: clinical testing. Allele origin: unknown.
Comment: This variant is considered benign. This variant is a silent/synonymous amino acid change and it is not expected to impact splicing.

Ambry Genetics
Classification: Likely benign for Hereditary cancer-predisposing syndrome. Last evaluated: 2025-10-29. Review status: criteria provided, single submitter. Criteria: Ambry Variant Classification Scheme 2023. Collection method: clinical testing. Allele origin: germline.

Labcorp Genetics (formerly Invitae), Labcorp
Classification: Likely benign for Gastrointestinal stromal tumor. Last evaluated: 2023-10-15. Review status: criteria provided, single submitter. Criteria: Invitae Variant Classification Sherloc (09022015). Collection method: clinical testing. Allele origin: germline.

NM_000222.3(KIT):c.1098G>A (p.Glu366=)

Gene: KIT (KIT proto-oncogene, receptor tyrosine kinase; plus strand). Cytogenetic location: 4q12.
Variant type: single nucleotide variant.
Coding change: c.1098G>A on transcript NM_000222.3 (MANE Select); coding-DNA position 1098, G replaced by A.
Protein change: p.Glu366=; no amino-acid change (glutamic acid 366 retained).
Molecular consequence: synonymous variant.
Genome position (GRCh38, 1-based): chr4:54,707,270, G>A. VCF-style: chr4-54707270-G-A. GRCh37 (hg19) VCF-style: chr4-55573436-G-A.
Other names: c.1098G>A, p.Glu366= (NM_001093772.2, NM_001385285.1, NM_001385286.1); c.1101G>A, p.Glu367= (NM_001385284.1, NM_001385288.1, NM_001385290.1 and 1 more transcripts).
Identifiers: ClinVar variation 415817 (VCV000415817.11), dbSNP rs1060504663, ClinGen allele CA16611594.